The following is an entry in ClinVar:

ClinVar aggregate classification (germline): Pathogenic (1 of 4 stars; one submission).

Submission:

Quest Diagnostics Nichols Institute San Juan Capistrano
Classification: Pathogenic. Last evaluated: 2023-12-14. Review status: criteria provided, single submitter. Criteria: ACMG/ClinGen CNV Guidelines, 2019. Collection method: clinical testing. Allele origin: unknown.
Comment: This loss involves two protein-coding genes, including multiple exons (NM_001080517.3; NM_198560.3) of the 3’ portion of both SETD5 (OMIM 615743) and LHFPL4 (OMIM 610240). Loss-of-function variants of SETD5 are associated with autosomal dominant intellectual developmental disorder-23 (OMIM 615761; CCID:007832; Anderson 2021, Grozeva 2014, Powis 2018). There are no similar copy number losses of this region in the general populations of the Database of Genomic Variants. Thus, this copy number variant (CNV) is classified as pathogenic. References: Anderson et al., Clin Genet. 2021 Sep;100(3):352-354. PMID: 34169511; Grozeva et al., Am J Hum Genet. 2014 Apr 3;94(4):618-24. PMID: 24680889; Powis et al., Clin Genet. 2018 Apr;93(4):752-761. PMID: 28881385

GRCh37/hg19 3p25.3(chr3:9506164-9561205)x1

Genes: LHFPL4 (LHFPL tetraspan subfamily member 4; minus strand), SETD5 (SET domain containing 5; plus strand). Cytogenetic location: 3p25.3.
Variant type: copy number loss.
Change: copy number 1 (one copy instead of two) of chr3:9,506,164-9,561,205 (55.0 kb, GRCh37 coordinates, 1-based), cytogenetic band 3p25.3.
Identifiers: ClinVar variation 3391878 (VCV003391878.1).